The following is an entry in ClinVar:

NM_015338.6(ASXL1):c.1856C>T (p.Ala619Val)

Gene: ASXL1 (ASXL transcriptional regulator 1; plus strand). Cytogenetic location: 20q11.21.
Variant type: single nucleotide variant.
Coding change: c.1856C>T on transcript NM_015338.6 (MANE Select); coding-DNA position 1856, C replaced by T.
Protein change: p.Ala619Val; replaces alanine 619 with valine.
Molecular consequence: missense variant.
Genome position (GRCh38, 1-based): chr20:32,434,568, C>T. VCF-style: chr20-32434568-C-T. GRCh37 (hg19) VCF-style: chr20-31022371-C-T.
Other names: c.1673C>T, p.Ala558Val (NM_001363734.1); short protein forms A558V, A619V.
Identifiers: ClinVar variation 1699660 (VCV001699660.3), dbSNP rs2145357756, ClinGen allele CA408558067.

ClinVar aggregate classification (germline): Uncertain significance (1 of 4 stars; one submission).

gnomAD v4.1: 1 of 1,613,626 alleles (0.000062%); highest among the groups gnomAD compares: Non-Finnish European, 0.000085%; no homozygotes.

Submission:

GeneDx
Classification: Uncertain significance. Last evaluated: 2023-02-06. Review status: criteria provided, single submitter. Criteria: GeneDx Variant Classification Process June 2021. Collection method: clinical testing. Allele origin: germline.
Comment: Not observed at significant frequency in large population cohorts (gnomAD); In silico analysis supports that this missense variant has a deleterious effect on protein structure/function; Has not been previously published as pathogenic or benign to our knowledge